The following is an entry in ClinVar:

ClinVar aggregate classification (germline): Pathogenic. Review status: criteria provided, multiple submitters, no conflicts (2 of 4 stars). 2 submissions from 2 submitters: Pathogenic (2). Last evaluated 2024-08-28.

gnomAD v4.1: 1 of 1,613,982 alleles (0.000062%); no homozygotes.

Submissions (2):

Dasa
Classification: Pathogenic. Last evaluated: 2024-08-28. Review status: criteria provided, single submitter. Criteria: DASA Assertion Criteria. Collection method: clinical testing. Allele origin: germline.
Comment: NM_001174147.2(LMX1B):c.507C>G (p.Tyr169*) introduces a premature termination codon predicted to result in loss of normal protein function. Loss-of-function is an established mechanism of disease for this gene. The variant is present at low frequency in population datasets. Based on the available data, this variant is classified as pathogenic.

Labcorp Genetics (formerly Invitae), Labcorp
Classification: Pathogenic. Last evaluated: 2023-06-23. Review status: criteria provided, single submitter. Criteria: Invitae Variant Classification Sherloc (09022015). Collection method: clinical testing. Allele origin: germline.
Comment: This sequence change creates a premature translational stop signal (p.Tyr169*) in the LMX1B gene. It is expected to result in an absent or disrupted protein product. Loss-of-function variants in LMX1B are known to be pathogenic (PMID: 9590287, 15498463). This variant is not present in population databases (gnomAD no frequency). This premature translational stop signal has been observed in individual(s) with nail-patella syndrome (PMID: 9837817). For these reasons, this variant has been classified as Pathogenic.

Literature cited by the submitters: PubMed 9590287 (cited by Labcorp Genetics (formerly Invitae), Labcorp); PubMed 15498463 (cited by Labcorp Genetics (formerly Invitae), Labcorp); PubMed 9837817 (cited by Labcorp Genetics (formerly Invitae), Labcorp).

NM_001174147.2(LMX1B):c.507C>G (p.Tyr169Ter)

Gene: LMX1B (LIM homeobox transcription factor 1 beta; plus strand). Cytogenetic location: 9q33.3.
Variant type: single nucleotide variant.
Coding change: c.507C>G on transcript NM_001174147.2 (MANE Select); coding-DNA position 507, C replaced by G.
Protein change: p.Tyr169Ter; replaces tyrosine 169 with a stop codon.
Molecular consequence: nonsense.
Genome position (GRCh38, 1-based): chr9:126,691,016, C>G. VCF-style: chr9-126691016-C-G. GRCh37 (hg19) VCF-style: chr9-129453295-C-G.
Other names: c.507C>G, p.Tyr169Ter (NM_001174146.2, NM_002316.4); short protein forms Y169*.
Identifiers: ClinVar variation 2726632 (VCV002726632.4), dbSNP rs368298608, ClinGen allele CA374912782.